The following is an entry in ClinVar:

NM_002788.4(PSMA3):c.741A>T (p.Glu247Asp)

Genes: PSMA3 (proteasome 20S subunit alpha 3; plus strand), PSMA3-AS1 (PSMA3 antisense RNA 1; minus strand). Cytogenetic location: 14q23.1.
Variant type: single nucleotide variant.
Coding change: c.741A>T on transcript NM_002788.4 (MANE Select); coding-DNA position 741, A replaced by T.
Protein change: p.Glu247Asp; replaces glutamic acid 247 with aspartic acid.
Molecular consequence: missense variant. On other transcripts: non-coding transcript variant (1).
Genome position (GRCh38, 1-based): chr14:58,271,868, A>T. VCF-style: chr14-58271868-A-T. GRCh37 (hg19) VCF-style: chr14-58738586-A-T.
Other names: c.741A>T (NM_002788.3); c.720A>T, p.Glu240Asp (NM_152132.3); short protein forms E240D, E247D.
Identifiers: ClinVar variation 1017428 (VCV001017428.10), dbSNP rs144136958, ClinGen allele CA7203933.

ClinVar aggregate classification (germline): Uncertain significance. Review status: criteria provided, multiple submitters, no conflicts (2 of 4 stars). 3 submissions from 3 submitters: Uncertain significance (3). Last evaluated 2025-12-09.

Allele frequency attached by ClinVar (database versions not stated): gnomAD 0.00021 and 0.00022; gnomAD exomes 0.00021 and 0.00019; ExAC 0.00022; TOPMed 0.00025; ESP Exome Variant Server 0.00015; 1000 Genomes Project 30x 0.00016; 1000 Genomes Project 0.00020.
gnomAD v4.1: 335 of 1,596,846 alleles (0.021%); highest among the groups gnomAD compares: Admixed American, 0.067%; 1 homozygote.

Submissions (3):

Labcorp Genetics (formerly Invitae), Labcorp
Classification: Uncertain significance. Last evaluated: 2025-12-09. Review status: criteria provided, single submitter. Criteria: Invitae Variant Classification Sherloc (09022015). Collection method: clinical testing. Allele origin: germline.
Comment: This sequence change replaces glutamic acid, which is acidic and polar, with aspartic acid, which is acidic and polar, at codon 247 of the PSMA3 protein (p.Glu247Asp). This variant is present in population databases (rs144136958, gnomAD 0.07%), and has an allele count higher than expected for a pathogenic variant. This variant has not been reported in the literature in individuals affected with PSMA3-related conditions. ClinVar contains an entry for this variant (Variation ID: 1017428). An algorithm developed to predict the effect of missense changes on protein structure and function outputs the following: PolyPhen-2: "Benign". The aspartic acid amino acid residue is found in multiple mammalian species, which suggests that this missense change does not adversely affect protein function. In summary, the available evidence is currently insufficient to determine the role of this variant in disease. Therefore, it has been classified as a Variant of Uncertain Significance.

Ambry Genetics
Classification: Uncertain significance. Last evaluated: 2025-02-28. Review status: criteria provided, single submitter. Criteria: Ambry Variant Classification Scheme 2023. Collection method: clinical testing. Allele origin: germline.

Breakthrough Genomics
Classification: Uncertain significance. Review status: criteria provided, single submitter. Criteria: ACMG Guidelines, 2015. Collection method: not provided. Allele origin: germline. Inheritance: Unknown mechanism. Affected: yes.